The following is an entry in ClinVar:

ClinVar aggregate classification (germline): Likely pathogenic (1 of 4 stars; one submission).

Conditions:
Bethlem myopathy 1A. Also called: Bethlem Muscular Dystrophy; MYOPATHY, BENIGN CONGENITAL, WITH CONTRACTURES; Bethlem myopathy 1. Identifiers: Orphanet 610, MedGen CN029274, MONDO:0024530, OMIM 158810.

Submission:

Labcorp Genetics (formerly Invitae), Labcorp
Classification: Likely pathogenic for Bethlem myopathy 1A. Last evaluated: 2017-05-02. Review status: criteria provided, single submitter. Criteria: Invitae Variant Classification Sherloc (09022015). Collection method: clinical testing. Allele origin: germline.
Comment: Glycine residues within the triple helix region are crucial to maintain fibrillar collagens structure and stability (PMID: 7695699, 19344236). In the case of COL6A2, missense substitutions that affect glycine residues within the triplex helix domain have been reported in many patients affected with autosomal dominant collagen VI myopathy (PMID: 24038877). In summary, this variant is a rare missense change that resides within the COL6A2 triple helix region. This evidence indicates that the variant is pathogenic, but additional data is needed to prove that conclusively. Therefore, this variant has been classified as Likely Pathogenic. This variant is not present in population databases (ExAC no frequency) and has not been reported in the literature in individuals with a COL6A2-related disease. This sequence change replaces glycine with valine at codon 304 of the COL6A2 protein (p.Gly304Val). The glycine residue is highly conserved and there is a moderate physicochemical difference between glycine and valine.

Literature cited by the submitters: PubMed 7695699; PubMed 19344236; PubMed 24038877.

NM_001849.4(COL6A2):c.911G>T (p.Gly304Val)

Gene: COL6A2 (collagen type VI alpha 2 chain; plus strand). Cytogenetic location: 21q22.3.
Variant type: single nucleotide variant.
Coding change: c.911G>T on transcript NM_001849.4 (MANE Select); coding-DNA position 911, G replaced by T.
Protein change: p.Gly304Val; replaces glycine 304 with valine.
Molecular consequence: missense variant.
Genome position (GRCh38, 1-based): chr21:46,116,387, G>T. VCF-style: chr21-46116387-G-T. GRCh37 (hg19) VCF-style: chr21-47536301-G-T.
Other names: c.911G>T, p.Gly304Val (NM_058174.3, NM_058175.3); short protein forms G304V.
Identifiers: ClinVar variation 162541 (VCV000162541.9), dbSNP rs727502832, ClinGen allele CA295290.